The following is an entry in ClinVar:

NM_182977.3(NNT):c.1684C>T (p.Leu562Phe)

Gene: NNT (nicotinamide nucleotide transhydrogenase; plus strand). Cytogenetic location: 5p12.
Variant type: single nucleotide variant.
Coding change: c.1684C>T on transcript NM_182977.3 (MANE Select); coding-DNA position 1684, C replaced by T.
Protein change: p.Leu562Phe; replaces leucine 562 with phenylalanine.
Molecular consequence: missense variant.
Genome position (GRCh38, 1-based): chr5:43,650,554, C>T. VCF-style: chr5-43650554-C-T. GRCh37 (hg19) VCF-style: chr5-43650656-C-T.
Other names: c.1291C>T, p.Leu431Phe (NM_001331026.2); c.1684C>T, p.Leu562Phe (NM_012343.4); short protein forms L431F, L562F.
Identifiers: ClinVar variation 2635373 (VCV002635373.1), dbSNP rs970172922, ClinGen allele CA359659585.

ClinVar aggregate classification (germline): Uncertain significance (1 of 4 stars; one submission).

Conditions:
NNT-related disorder. Also called: NNT-related condition.

Submission:

PreventionGenetics, part of Exact Sciences
Classification: Uncertain significance for NNT-related condition. Last evaluated: 2022-11-15. Review status: criteria provided, single submitter. Criteria: ACMG Guidelines, 2015. Collection method: clinical testing. Allele origin: germline.
Comment: The NNT c.1684C>T variant is predicted to result in the amino acid substitution p.Leu562Phe. To our knowledge, this variant has not been reported in the literature or in a large population database, indicating this variant is rare. At this time, the clinical significance of this variant is uncertain due to the absence of conclusive functional and genetic evidence.